The following is an entry in ClinVar:

ClinVar aggregate classification (germline): Uncertain significance (1 of 4 stars; one submission).

Submission:

GeneDx
Classification: Uncertain significance. Last evaluated: 2022-08-22. Review status: criteria provided, single submitter. Criteria: GeneDx Variant Classification Process June 2021. Collection method: clinical testing. Allele origin: germline. Affected: yes.
Comment: Not observed at significant frequency in large population cohorts (gnomAD); In silico analysis supports that this missense variant has a deleterious effect on protein structure/function; Has not been previously published as pathogenic or benign to our knowledge

NM_001144967.3(NEDD4L):c.649C>T (p.Arg217Trp)

Gene: NEDD4L (NEDD4 like E3 ubiquitin protein ligase; plus strand). Cytogenetic location: 18q21.31.
Variant type: single nucleotide variant.
Coding change: c.649C>T on transcript NM_001144967.3 (MANE Select); coding-DNA position 649, C replaced by T.
Protein change: p.Arg217Trp; replaces arginine 217 with tryptophan.
Molecular consequence: missense variant.
Genome position (GRCh38, 1-based): chr18:58,325,131, C>T. VCF-style: chr18-58325131-C-T. GRCh37 (hg19) VCF-style: chr18-55992363-C-T.
Other names: c.286C>T, p.Arg96Trp (NM_001144964.1, NM_001144965.2, NM_001144966.3 and 2 more transcripts); c.625C>T, p.Arg209Trp (NM_001144968.2, NM_001144969.2); c.649C>T, p.Arg217Trp (NM_001243960.2, NM_015277.6); short protein forms R209W, R217W, R96W.
Identifiers: ClinVar variation 1306449 (VCV001306449.3), dbSNP rs2144410052, ClinGen allele CA402552889.
Genomic context (GRCh38, chr18:58,325,131, plus strand): 5'-CCCGGGTGGGAAGAAAAAGTGGACAATTTAGGCCGAACTTACTATGTCAACCACAACAAC[C>T]GGACCACTCAGTGGCACAGACCAAGCCTGATGTGAGTACCGTGTGATGGTCAGGAACACG-3'
Protein context (NP_001138439.1, residues 207-227): GRTYYVNHNN[Arg217Trp]TTQWHRPSLM